The following is an entry in ClinVar:

NM_001378609.3(OTOGL):c.3533C>G (p.Thr1178Ser)

Gene: OTOGL (otogelin like; plus strand). Cytogenetic location: 12q21.31.
Variant type: single nucleotide variant.
Coding change: c.3533C>G on transcript NM_001378609.3 (MANE Select); coding-DNA position 3533, C replaced by G.
Protein change: p.Thr1178Ser; replaces threonine 1178 with serine.
Molecular consequence: missense variant.
Genome position (GRCh38, 1-based): chr12:80,313,558, C>G. VCF-style: chr12-80313558-C-G. GRCh37 (hg19) VCF-style: chr12-80707338-C-G.
Other names: c.3398C>G, p.Thr1133Ser (NM_001368062.3); c.3533C>G, p.Thr1178Ser (NM_001378610.3, NM_173591.7); short protein forms T1133S, T1169S, T1178S.
Identifiers: ClinVar variation 1706179 (VCV001706179.6), dbSNP rs531848868, ClinGen allele CA6701113.

ClinVar aggregate classification (germline): Uncertain significance. Review status: criteria provided, multiple submitters, no conflicts (2 of 4 stars). 3 submissions from 3 submitters: Uncertain significance (3). Last evaluated 2023-07-12.

Allele frequency attached by ClinVar (database versions not stated): ExAC 0.00002; 1000 Genomes Project 30x 0.00016; 1000 Genomes Project 0.00020; gnomAD exomes 0.00001.
gnomAD v4.1: 16 of 1,612,084 alleles (0.00099%); highest among the groups gnomAD compares: African/African-American, 0.017%; no homozygotes.

Submissions (3):

Labcorp Genetics (formerly Invitae), Labcorp
Classification: Uncertain significance. Last evaluated: 2023-07-12. Review status: criteria provided, single submitter. Criteria: Invitae Variant Classification Sherloc (09022015). Collection method: clinical testing. Allele origin: germline.
Comment: This sequence change replaces threonine, which is neutral and polar, with serine, which is neutral and polar, at codon 1169 of the OTOGL protein (p.Thr1169Ser). This variant is present in population databases (rs531848868, gnomAD 0.03%). This variant has not been reported in the literature in individuals affected with OTOGL-related conditions. ClinVar contains an entry for this variant (Variation ID: 1706179). Algorithms developed to predict the effect of missense changes on protein structure and function output the following: SIFT: "Not Available"; PolyPhen-2: "Benign"; Align-GVGD: "Not Available". The serine amino acid residue is found in multiple mammalian species, which suggests that this missense change does not adversely affect protein function. In summary, the available evidence is currently insufficient to determine the role of this variant in disease. Therefore, it has been classified as a Variant of Uncertain Significance.

GeneDx
Classification: Uncertain significance. Last evaluated: 2022-03-16. Review status: criteria provided, single submitter. Criteria: GeneDx Variant Classification Process June 2021. Collection method: clinical testing. Allele origin: germline. Affected: yes.
Comment: In silico analysis supports that this missense variant does not alter protein structure/function; Has not been previously published as pathogenic or benign to our knowledge

Blueprint Genetics
Classification: Uncertain significance. Last evaluated: 2018-10-12. Review status: criteria provided, single submitter. Criteria: ACMG Guidelines, 2015. Collection method: clinical testing. Allele origin: germline.